The following is an entry in ClinVar:

NM_001371986.1(UNC80):c.5029+1G>A

Gene: UNC80 (unc-80 subunit of NALCN channel complex; plus strand). Cytogenetic location: 2q34.
Variant type: single nucleotide variant.
Coding change: c.5029+1G>A on transcript NM_001371986.1 (MANE Select); the canonical splice donor site of the intron after coding-DNA position 5029, G replaced by A.
Molecular consequence: splice donor variant.
Genome position (GRCh38, 1-based): chr2:209,913,941, G>A. VCF-style: chr2-209913941-G-A. GRCh37 (hg19) VCF-style: chr2-210778665-G-A.
Other names: c.4831+1G>A (NM_032504.2); c.4816+1G>A (NM_182587.4).
Identifiers: ClinVar variation 2131232 (VCV002131232.4), dbSNP rs2471119271, ClinGen allele CA350757095.

ClinVar aggregate classification (germline): Likely pathogenic (1 of 4 stars; one submission).

Submission:

Labcorp Genetics (formerly Invitae), Labcorp
Classification: Likely pathogenic. Last evaluated: 2023-08-24. Review status: criteria provided, single submitter. Criteria: Invitae Variant Classification Sherloc (09022015). Collection method: clinical testing. Allele origin: germline.
Comment: This sequence change affects a donor splice site in intron 30 of the UNC80 gene. It is expected to disrupt RNA splicing. Variants that disrupt the donor or acceptor splice site typically lead to a loss of protein function (PMID: 16199547), and loss-of-function variants in UNC80 are known to be pathogenic (PMID: 26545877, 26708751, 26708753). In summary, the currently available evidence indicates that the variant is pathogenic, but additional data are needed to prove that conclusively. Therefore, this variant has been classified as Likely Pathogenic. Algorithms developed to predict the effect of sequence changes on RNA splicing suggest that this variant may disrupt the consensus splice site. ClinVar contains an entry for this variant (Variation ID: 2131232). This variant has not been reported in the literature in individuals affected with UNC80-related conditions. This variant is not present in population databases (gnomAD no frequency).

Literature cited by the submitters: PubMed 16199547; PubMed 26545877; PubMed 26708751; PubMed 26708753.